The following is an entry in ClinVar:

NM_017636.4(TRPM4):c.2360T>C (p.Val787Ala)

Gene: TRPM4 (transient receptor potential cation channel subfamily M member 4; plus strand). Cytogenetic location: 19q13.33.
Variant type: single nucleotide variant.
Coding change: c.2360T>C on transcript NM_017636.4 (MANE Select); coding-DNA position 2360, T replaced by C.
Protein change: p.Val787Ala; replaces valine 787 with alanine.
Molecular consequence: missense variant. On other transcripts: intron variant (1).
Genome position (GRCh38, 1-based): chr19:49,196,589, T>C. VCF-style: chr19-49196589-T-C. GRCh37 (hg19) VCF-style: chr19-49699846-T-C.
Other names: c.2015T>C, p.Val672Ala (NM_001321281.2); c.752T>C, p.Val251Ala (NM_001321282.2); c.1838T>C, p.Val613Ala (NM_001321283.2); c.1298T>C, p.Val433Ala (NM_001321285.2); c.2211-3711T>C (NM_001195227.2); short protein forms V251A, V613A, V672A, V433A, V787A.
Identifiers: ClinVar variation 2830774 (VCV002830774.3), dbSNP rs2514178315, ClinGen allele CA406809004.

ClinVar aggregate classification (germline): Uncertain significance (1 of 4 stars; one submission).

Conditions:
Progressive familial heart block type IB (PFHB1B). Identifiers: Orphanet 871, MedGen C1970298, MONDO:0011474, OMIM 604559.

Allele frequency attached by ClinVar (database versions not stated): gnomAD exomes below 0.00001.
gnomAD v4.1: 1 of 1,557,542 alleles (0.000064%); highest among the groups gnomAD compares: African/African-American, 0.0014%; no homozygotes.

Submission:

Labcorp Genetics (formerly Invitae), Labcorp
Classification: Uncertain significance for Progressive familial heart block type IB. Last evaluated: 2023-01-27. Review status: criteria provided, single submitter. Criteria: Invitae Variant Classification Sherloc (09022015). Collection method: clinical testing. Allele origin: germline.
Comment: In summary, the available evidence is currently insufficient to determine the role of this variant in disease. Therefore, it has been classified as a Variant of Uncertain Significance. Algorithms developed to predict the effect of missense changes on protein structure and function (SIFT, PolyPhen-2, Align-GVGD) all suggest that this variant is likely to be tolerated. This sequence change replaces valine, which is neutral and non-polar, with alanine, which is neutral and non-polar, at codon 787 of the TRPM4 protein (p.Val787Ala). This variant is not present in population databases (gnomAD no frequency). This variant has not been reported in the literature in individuals affected with TRPM4-related conditions.